The following is an entry in ClinVar:

ClinVar aggregate classification (germline): Conflicting classifications of pathogenicity. Review status: criteria provided, conflicting classifications (1 of 4 stars). 3 submissions from 3 submitters: Pathogenic (1); Uncertain significance (2). Last evaluated 2026-02-02.

Conditions:
Encephalopathy due to GLUT1 deficiency. Also called: GLUCOSE TRANSPORT DEFECT, BLOOD-BRAIN BARRIER; De Vivo disease; GLUT1 deficiency syndrome 1; GLUT1 deficiency syndrome 1, infantile onset, severe; Glucose transporter protein syndrome; Classic Glucose Transporter Type 1 Deficiency Syndrome. Identifiers: Orphanet 71277, MedGen C4551966, MONDO:0011724, OMIM 606777.
GLUT1 deficiency syndrome 1, autosomal recessive. Identifiers: MedGen C3149117.
Inborn genetic diseases. Identifiers: MedGen C0950123, MeSH D030342.

Allele frequency attached by ClinVar (database versions not stated): TOPMed below 0.00001; gnomAD 0.00001.
gnomAD v4.1: 2 of 1,613,494 alleles (0.00012%); highest among the groups gnomAD compares: Non-Finnish European, 0.000085%; no homozygotes.

Submissions (4):

Labcorp Genetics (formerly Invitae), Labcorp
Classification: Pathogenic for GLUT1 deficiency syndrome 1, autosomal recessive. Last evaluated: 2026-02-02. Review status: criteria provided, single submitter. Criteria: Invitae Variant Classification Sherloc (09022015). Collection method: clinical testing. Allele origin: germline.
Comment: This sequence change replaces alanine, which is neutral and non-polar, with valine, which is neutral and non-polar, at codon 301 of the SLC2A1 protein (p.Ala301Val). This variant is not present in population databases (gnomAD no frequency). This missense change has been observed in individual(s) with clinical features of GLUT1-deficiency syndrome (internal data). In at least one individual the variant was observed to be de novo. ClinVar contains an entry for this variant (Variation ID: 1008366). Invitae Evidence Modeling of protein sequence and biophysical properties (such as structural, functional, and spatial information, amino acid conservation, physicochemical variation, residue mobility, and thermodynamic stability) indicates that this missense variant is expected to disrupt SLC2A1 protein function with a positive predictive value of 95%. For these reasons, this variant has been classified as Pathogenic.

Ambry Genetics
Classification: Uncertain significance for Inborn genetic diseases. Last evaluated: 2025-02-20. Review status: criteria provided, single submitter. Criteria: Ambry Variant Classification Scheme 2023. Collection method: clinical testing. Allele origin: germline.

3billion
Classification: Uncertain significance for Encephalopathy due to GLUT1 deficiency. Last evaluated: 2021-10-25. Review status: criteria provided, single submitter. Criteria: ACMG Guidelines, 2015. Collection method: clinical testing. Allele origin: unknown. Affected: yes. Observed: 1 heterozygote.
Comment: This variant is not observed in the gnomAD v2.1.1 dataset (PM2). In silico tool predictions suggest damaging effect of the variant on gene or gene product (REVEL: 0.685, PP3). Therefore, this variant is classified as uncertain significance according to the recommendation of ACMG/AMP guideline.

Dr. Peter K. Rogan Lab, Western University
No classification provided (evidence only). Condition: Gastric cancer. Review status: no classification provided. Collection method: in vitro. Allele origin: not applicable. Functional consequence: retained intron. Not counted in ClinVar's aggregate classification.

NM_006516.4(SLC2A1):c.902C>T (p.Ala301Val)

Gene: SLC2A1 (solute carrier family 2 member 1; minus strand). Cytogenetic location: 1p34.2.
Variant type: single nucleotide variant.
Coding change: c.902C>T on transcript NM_006516.4 (MANE Select); coding-DNA position 902, C replaced by T.
Protein change: p.Ala301Val; replaces alanine 301 with valine.
Molecular consequence: missense variant.
Genome position (GRCh38, 1-based): chr1:42,929,280, G>A on the plus strand (C>T on the coding strand, the complement: SLC2A1 is on the minus strand). VCF-style: chr1-42929280-G-A. GRCh37 (hg19) VCF-style: chr1-43394951-G-A.
Other names: short protein forms A301V.
Identifiers: ClinVar variation 1008366 (VCV001008366.11), dbSNP rs1425773776, ClinGen allele CA339956787.
Genomic context (GRCh38, chr1:42,929,280, plus strand): 5'-GTGAAGGCCGTGTTGACGATACCGGAGCCAATGGTGGCATACACAGGCTGCTGCACCCCC[G>A]CCTTCTCGAAGATGCTCGTGGAGTAATAGAAGACCTGCCAGACAAGAGAAACTGTTGGGG-3'
Protein context (NP_006507.2, residues 291-311): FYYSTSIFEK[Ala301Val]GVQQPVYATI